The following is an entry in ClinVar:

ClinVar aggregate classification (germline): Likely benign. Review status: criteria provided, multiple submitters, no conflicts (2 of 4 stars). 4 submissions from 4 submitters: Likely benign (3). 1 of the submissions does not count toward it. Last evaluated 2026-01-18.

Conditions:
RASA2-related disorder. Also called: RASA2-related condition.

Allele frequency attached by ClinVar (database versions not stated): gnomAD exomes 0.00002 and 0.00003; gnomAD 0.00012 and 0.00011; ExAC 0.00003; ESP Exome Variant Server 0.00008; 1000 Genomes Project 0.00040; TOPMed 0.00011; 1000 Genomes Project 30x 0.00031.
gnomAD v4.1: 47 of 1,609,828 alleles (0.0029%); highest among the groups gnomAD compares: African/African-American, 0.045%; no homozygotes.

Submissions (4):

Labcorp Genetics (formerly Invitae), Labcorp
Classification: Likely benign. Last evaluated: 2026-01-18. Review status: criteria provided, single submitter. Criteria: Invitae Variant Classification Sherloc (09022015). Collection method: clinical testing. Allele origin: germline.

Women's Health and Genetics/Laboratory Corporation of America, LabCorp
Classification: Likely benign. Last evaluated: 2024-01-28. Review status: criteria provided, single submitter. Criteria: LabCorp Variant Classification Summary - May 2015. Collection method: clinical testing. Allele origin: germline.

Ambry Genetics
Classification: Likely benign. Last evaluated: 2019-07-01. Review status: criteria provided, single submitter. Criteria: Ambry Variant Classification Scheme 2023. Collection method: clinical testing. Allele origin: germline.

PreventionGenetics, part of Exact Sciences
Classification: Likely benign for RASA2-related condition. Last evaluated: 2019-04-11. Review status: no assertion criteria provided. Collection method: clinical testing. Allele origin: germline. Not counted in ClinVar's aggregate classification.
Comment: This variant is classified as likely benign based on ACMG/AMP sequence variant interpretation guidelines (Richards et al. 2015 PMID: 25741868, with internal and published modifications).

NM_006506.5(RASA2):c.1641T>C (p.Thr547=)

Gene: RASA2 (RAS p21 protein activator 2; plus strand). Cytogenetic location: 3q23.
Variant type: single nucleotide variant.
Coding change: c.1641T>C on transcript NM_006506.5 (MANE Select); coding-DNA position 1641, T replaced by C.
Protein change: p.Thr547=; no amino-acid change (threonine 547 retained).
Molecular consequence: synonymous variant.
Genome position (GRCh38, 1-based): chr3:141,580,418, T>C. VCF-style: chr3-141580418-T-C. GRCh37 (hg19) VCF-style: chr3-141299260-T-C.
Other names: c.1641T>C, p.Thr547= (NM_001303245.3, NM_001303246.3); c.1641T>C (NM_001303246.1).
Identifiers: ClinVar variation 1607808 (VCV001607808.13), dbSNP rs148158856, ClinGen allele CA2645571.